The following is an entry in ClinVar:

ClinVar aggregate classification (germline): Uncertain significance. Review status: criteria provided, multiple submitters, no conflicts (2 of 4 stars). 3 submissions from 3 submitters: Uncertain significance (3). Last evaluated 2023-12-21.

Conditions:
Early-infantile DEE. Also called: Early infantile epileptic encephalopathy with suppression bursts; Early infantile epileptic encephalopathy; Ohtahara syndrome. Identifiers: Orphanet 1934, MedGen C0393706, MONDO:0800491.

gnomAD v4.1: 2 of 1,611,080 alleles (0.00012%); highest among the groups gnomAD compares: South Asian, 0.0022%; no homozygotes.

Submissions (3):

Women's Health and Genetics/Laboratory Corporation of America, LabCorp
Classification: Uncertain significance. Last evaluated: 2023-12-21. Review status: criteria provided, single submitter. Criteria: LabCorp Variant Classification Summary - May 2015. Collection method: clinical testing. Allele origin: germline.
Comment: Variant summary: CACNA2D2 c.3203C>T (p.Thr1068Met) results in a non-conservative amino acid change located in the Voltage-dependent calcium channel, alpha-2/delta subunit, conserved region (IPR013680) of the encoded protein sequence. Four of five in-silico tools predict a benign effect of the variant on protein function. The variant allele was found at a frequency of 4.2e-06 in 239114 control chromosomes. The available data on variant occurrences in the general population are insufficient to allow any conclusion about variant significance. To our knowledge, no occurrence of c.3203C>T in individuals affected with Cerebellar Atrophy With Seizures And Variable Developmental Delay and no experimental evidence demonstrating its impact on protein function have been reported. Two submitters have cited clinical-significance assessments for this variant to ClinVar after 2014. Both submitters classified the variant as uncertain significance. Based on the evidence outlined above, the variant was classified as uncertain significance.

Labcorp Genetics (formerly Invitae), Labcorp
Classification: Uncertain significance for Early-infantile DEE. Last evaluated: 2019-09-28. Review status: criteria provided, single submitter. Criteria: Invitae Variant Classification Sherloc (09022015). Collection method: clinical testing. Allele origin: germline.
Comment: In summary, this variant has uncertain impact on CACNA2D2 function. The available evidence is currently insufficient to determine its role in disease. Therefore, it has been classified as a Variant of Uncertain Significance. Algorithms developed to predict the effect of missense changes on protein structure and function do not agree on the potential impact of this missense change (SIFT: "Deleterious"; PolyPhen-2: "Possibly Damaging"; Align-GVGD: "Class C0"). This variant has not been reported in the literature in individuals with a CACNA2D2-related disease. ClinVar contains an entry for this variant (Variation ID: 426206). This variant is present in population databases (rs772333671, ExAC 0.006%). This sequence change replaces threonine with methionine at codon 1068 of the CACNA2D2 protein (p.Thr1068Met). The threonine residue is moderately conserved and there is a moderate physicochemical difference between threonine and methionine.

GeneDx
Classification: Uncertain significance. Last evaluated: 2017-04-26. Review status: criteria provided, single submitter. Criteria: GeneDx Variant Classification (06012015). Collection method: clinical testing. Allele origin: germline. Affected: yes.
Comment: The T1068M variant in the CACNA2D2 gene has not been reported previously as a pathogenic variant, nor as a benign variant, to our knowledge. The T1068M variant is not observed at a significant frequency in large population cohorts (Lek et al., 2016; 1000 Genomes Consortium et al., 2015; Exome Variant Server). The T1068M variant is a non-conservative amino acid substitution, which is likely to impact secondary protein structure as these residues differ in polarity, charge, size and/or other properties. However, this substitution occurs at a position that is not conserved, and in silico analysis is inconsistent in its predictions as to whether or not the variant is damaging to the protein structure/function. We interpret T1068M as a variant of uncertain significance.

NM_006030.4(CACNA2D2):c.3203C>T (p.Thr1068Met)

Genes: CACNA2D2 (calcium voltage-gated channel auxiliary subunit alpha2delta 2; minus strand), LOC127898564 (CYB561D2-LOC101928965; plus strand). Cytogenetic location: 3p21.31.
Variant type: single nucleotide variant.
Coding change: c.3203C>T on transcript NM_006030.4 (MANE Select); coding-DNA position 3203, C replaced by T.
Protein change: p.Thr1068Met; replaces threonine 1068 with methionine.
Molecular consequence: missense variant.
Genome position (GRCh38, 1-based): chr3:50,365,080, G>A on the plus strand (C>T on the coding strand, the complement: CACNA2D2 is on the minus strand). VCF-style: chr3-50365080-G-A. GRCh37 (hg19) VCF-style: chr3-50402511-G-A.
Other names: c.3203C>T, p.Thr1068Met (NM_001005505.3); c.3224C>T, p.Thr1075Met (NM_001174051.3); c.2996C>T, p.Thr999Met (NM_001291101.1); short protein forms T1068M, T1075M, T999M.
Identifiers: ClinVar variation 426206 (VCV000426206.11), dbSNP rs772333671, ClinGen allele CA2418186.
Genomic context (GRCh38, chr3:50,365,080, plus strand): 5'-GGGGGCGCGCGGGGCAGAGGGGGAGCGGGCGGCGGGGAGGGCGGGGGCAGGATACAGTGC[G>A]TCTCCTTCTGCAGCAGCCGGCCAGCCTCGCACTGGCTGCACAGCGGCTTCTCGGCCACCA-3'
Protein context (NP_006021.2, residues 1058-1078): CEAGRLLQKE[Thr1068Met]HSDGPEQCEL